The following is an entry in ClinVar:

ClinVar aggregate classification (germline): Pathogenic. Review status: criteria provided, multiple submitters, no conflicts (2 of 4 stars). 2 submissions from 2 submitters: Pathogenic (2). Last evaluated 2024-02-14.

Conditions:
Rubinstein-Taybi syndrome due to CREBBP mutations (RSTS1). Also called: RUBINSTEIN-TAYBI SYNDROME 1, INCOMPLETE; BROAD THUMB-HALLUX SYNDROME; BROAD THUMBS AND GREAT TOES, CHARACTERISTIC FACIES, AND IMPAIRED INTELLECTUAL DEVELOPMENT; RUBINSTEIN SYNDROME; Rubinstein-Taybi syndrome 1; CREBBP-Related Rubinstein-Taybi Syndrome. Identifiers: Orphanet 353277, Orphanet 783, MedGen C4551859, MONDO:0008393, OMIM 180849.

Submissions (2):

GeneDx
Classification: Pathogenic. Last evaluated: 2024-02-14. Review status: criteria provided, single submitter. Criteria: GeneDx Variant Classification Process June 2021. Collection method: clinical testing. Allele origin: germline. Affected: yes.
Comment: Nonsense variant predicted to result in protein truncation or nonsense mediated decay in a gene for which loss of function is a known mechanism of disease; Not observed at significant frequency in large population cohorts (gnomAD); Has not been previously published as pathogenic or benign to our knowledge

Genetic Services Laboratory, University of Chicago
Classification: Pathogenic for Rubinstein-Taybi syndrome. Last evaluated: 2013-02-08. Review status: criteria provided, single submitter. Criteria: ACMG Guidelines, 2007. Collection method: clinical testing. Allele origin: germline. Inheritance: Autosomal dominant inheritance. Affected: yes.

NM_004380.3(CREBBP):c.1063C>T (p.Gln355Ter)

Gene: CREBBP (CREB binding lysine acetyltransferase; minus strand). Cytogenetic location: 16p13.3.
Variant type: single nucleotide variant.
Coding change: c.1063C>T on transcript NM_004380.3 (MANE Select); coding-DNA position 1063, C replaced by T.
Protein change: p.Gln355Ter; replaces glutamine 355 with a stop codon.
Molecular consequence: nonsense.
Genome position (GRCh38, 1-based): chr16:3,793,539, G>A on the plus strand (C>T on the coding strand, the complement: CREBBP is on the minus strand). VCF-style: chr16-3793539-G-A. GRCh37 (hg19) VCF-style: chr16-3843540-G-A.
Other names: c.1063C>T, p.Gln355Ter (NM_001079846.1); short protein forms Q355*.
Identifiers: ClinVar variation 158334 (VCV000158334.7), dbSNP rs587783460, ClinGen allele CA271356.